The following is an entry in ClinVar:

NM_001384950.1(NLRC5):c.5405+140G>A

Gene: NLRC5 (NLR family CARD domain containing 5; plus strand). Cytogenetic location: 16q13.
Variant type: single nucleotide variant.
Coding change: c.5405+140G>A on transcript NM_001384950.1 (MANE Select); 140 bases into the intron after coding-DNA position 5405, G replaced by A.
Molecular consequence: intron variant.
Genome position (GRCh38, 1-based): chr16:57,081,321, G>A. VCF-style: chr16-57081321-G-A. GRCh37 (hg19) VCF-style: chr16-57115233-G-A.
Other names: c.5321+140G>A (NM_001384954.1); c.5402+140G>A (NM_001384953.1, NM_001384952.1); c.5315+140G>A (NM_001384957.1); c.5318+140G>A (NM_001384956.1, NM_001384951.1, NM_001384955.1 and 1 more transcripts); c.5228+140G>A (NM_001384959.1); c.5405+140G>A (NM_032206.5); c.5231+140G>A (NM_001384958.1); c.5144+140G>A (NM_001384960.1).
Identifiers: ClinVar variation 103209 (VCV000103209.2), dbSNP rs199476021, ClinGen allele CA230260.

ClinVar aggregate classification (germline): not provided (0 of 4 stars; one submission).

Allele frequency attached by ClinVar (database versions not stated): gnomAD 0.00011; TOPMed 0.00011.
gnomAD v4.1: 28 of 945,896 alleles (0.003%); highest among the groups gnomAD compares: Middle Eastern, 0.051%; no homozygotes.

Submission:

Human Evolutionary Genetics, Institut Pasteur
No classification provided. Review status: no classification provided. Collection method: not provided. Allele origin: germline.
ClinVar note: Converted during submission from untested to not provided.